The following is an entry in ClinVar:

ClinVar aggregate classification (germline): Uncertain significance. Review status: criteria provided, multiple submitters, no conflicts (2 of 4 stars). 3 submissions from 3 submitters: Uncertain significance (3). Last evaluated 2022-06-06.

Conditions:
Hereditary cancer-predisposing syndrome. Also called: Hereditary neoplastic syndrome; Hereditary Cancer Syndrome; Neoplastic Syndromes, Hereditary; Tumor predisposition. Identifiers: Orphanet 140162, MedGen C0027672, MeSH D009386, MONDO:0015356.
Tuberous sclerosis 2 (TSC2). Identifiers: Orphanet 805, MedGen C1860707, MONDO:0013199, OMIM 613254.

gnomAD v4.1: 1 of 1,613,338 alleles (0.000062%); no homozygotes.

Submissions (3):

GeneDx
Classification: Uncertain significance. Last evaluated: 2022-06-06. Review status: criteria provided, single submitter. Criteria: GeneDx Variant Classification Process June 2021. Collection method: clinical testing. Allele origin: germline. Affected: yes.
Comment: Not observed at significant frequency in large population cohorts (gnomAD); In silico analysis supports that this missense variant has a deleterious effect on protein structure/function; Has not been previously published as pathogenic or benign to our knowledge

Labcorp Genetics (formerly Invitae), Labcorp
Classification: Uncertain significance for Tuberous sclerosis 2. Last evaluated: 2021-07-22. Review status: criteria provided, single submitter. Criteria: Invitae Variant Classification Sherloc (09022015). Collection method: clinical testing. Allele origin: germline.
Comment: In summary, the available evidence is currently insufficient to determine the role of this variant in disease. Therefore, it has been classified as a Variant of Uncertain Significance. Advanced modeling of protein sequence and biophysical properties (such as structural, functional, and spatial information, amino acid conservation, physicochemical variation, residue mobility, and thermodynamic stability) performed at Invitae indicates that this missense variant is not expected to disrupt TSC2 protein function. This variant has not been reported in the literature in individuals with TSC2-related conditions. This variant is not present in population databases (ExAC no frequency). This sequence change replaces aspartic acid with alanine at codon 647 of the TSC2 protein (p.Asp647Ala). The aspartic acid residue is highly conserved and there is a moderate physicochemical difference between aspartic acid and alanine.

Ambry Genetics
Classification: Uncertain significance for Hereditary cancer-predisposing syndrome. Last evaluated: 2020-12-07. Review status: criteria provided, single submitter. Criteria: Ambry Variant Classification Scheme 2023. Collection method: clinical testing. Allele origin: germline.
Comment: The p.D647A variant (also known as c.1940A>C), located in coding exon 17 of the TSC2 gene, results from an A to C substitution at nucleotide position 1940. The aspartic acid at codon 647 is replaced by alanine, an amino acid with dissimilar properties. This amino acid position is highly conserved in available vertebrate species. In addition, this alteration is predicted to be deleterious by in silico analysis. Since supporting evidence is limited at this time, the clinical significance of this alteration remains unclear.

NM_000548.5(TSC2):c.1940A>C (p.Asp647Ala)

Gene: TSC2 (TSC complex subunit 2; plus strand). Cytogenetic location: 16p13.3.
Variant type: single nucleotide variant.
Coding change: c.1940A>C on transcript NM_000548.5 (MANE Select); coding-DNA position 1940, A replaced by C.
Protein change: p.Asp647Ala; replaces aspartic acid 647 with alanine.
Molecular consequence: missense variant.
Genome position (GRCh38, 1-based): chr16:2,071,610, A>C. VCF-style: chr16-2071610-A-C. GRCh37 (hg19) VCF-style: chr16-2121611-A-C.
Other names: c.1940A>C, p.Asp647Ala (NM_001370405.1, NM_021055.3, NM_001077183.3 and 3 more transcripts); c.1829A>C, p.Asp610Ala (NM_001318827.2); c.1793A>C, p.Asp598Ala (NM_001318829.2); c.1340A>C, p.Asp447Ala (NM_001318831.2); c.1973A>C, p.Asp658Ala (NM_001318832.2); short protein forms D647A, D658A, D610A, D447A, D598A.
Identifiers: ClinVar variation 1373080 (VCV001373080.11), dbSNP rs2151299187, ClinGen allele CA394273379.